The following is an entry in ClinVar:

NM_006005.3(WFS1):c.1739T>A (p.Val580Glu)

Gene: WFS1 (wolframin ER transmembrane glycoprotein; plus strand). Cytogenetic location: 4p16.1.
Variant type: single nucleotide variant.
Coding change: c.1739T>A on transcript NM_006005.3 (MANE Select); coding-DNA position 1739, T replaced by A.
Protein change: p.Val580Glu; replaces valine 580 with glutamic acid.
Molecular consequence: missense variant.
Genome position (GRCh38, 1-based): chr4:6,301,534, T>A. VCF-style: chr4-6301534-T-A. GRCh37 (hg19) VCF-style: chr4-6303261-T-A.
Other names: c.1739T>A, p.Val580Glu (NM_001145853.1); short protein forms V580E.
Identifiers: ClinVar variation 904987 (VCV000904987.30), dbSNP rs140773453, ClinGen allele CA2839466.

ClinVar aggregate classification (germline): Uncertain significance/Uncertain risk allele. Review status: criteria provided, multiple submitters, no conflicts (2 of 4 stars). 9 submissions from 8 submitters: Uncertain significance (8); Uncertain risk allele (1). Last evaluated 2025-10-21.

Conditions:
Wolfram syndrome 1 (WFS1). Identifiers: Orphanet 3463, MedGen C4551693, MONDO:0009101, OMIM 222300.
Inborn genetic diseases. Identifiers: MedGen C0950123, MeSH D030342.
Autosomal dominant nonsyndromic hearing loss 6 (LFSNHL). Also called: Autosomal dominant nonsyndromic deafness 6; DEAFNESS, AUTOSOMAL DOMINANT 6; DEAFNESS, AUTOSOMAL DOMINANT 14; DEAFNESS, AUTOSOMAL DOMINANT 38. Identifiers: Orphanet 90635, MedGen C1833021, MONDO:0010963, OMIM 600965.
Type 2 diabetes mellitus. Also called: Type II diabetes mellitus. Identifiers: MedGen C0011860, MeSH D003924, MONDO:0005148, OMIM 125853, HP:0005978.
Wolfram-like syndrome. Also called: HEARING LOSS, PROGRESSIVE, WITH OPTIC ATROPHY AND/OR IMPAIRED GLUCOSE REGULATION. Identifiers: Orphanet 411590, MedGen C3280358, MONDO:0013673, OMIM 614296.
Cataract 41 (CTRCT41). Also called: CATARACT 41, CONGENITAL NUCLEAR TYPE. Identifiers: Orphanet 91492, Orphanet 98991, Orphanet 98992, Orphanet 98995, MedGen C3805412, MONDO:0007287, OMIM 116400.
WFS1-Related Spectrum Disorders.

Allele frequency attached by ClinVar (database versions not stated): TOPMed 0.00009; ESP Exome Variant Server 0.00023.
gnomAD v4.1: 122 of 1,613,896 alleles (0.0076%); highest among the groups gnomAD compares: Non-Finnish European, 0.0097%; no homozygotes.

Submissions (9):

Labcorp Genetics (formerly Invitae), Labcorp
Classification: Uncertain significance. Last evaluated: 2025-10-21. Review status: criteria provided, single submitter. Criteria: Invitae Variant Classification Sherloc (09022015). Collection method: clinical testing. Allele origin: germline.
Comment: This sequence change replaces valine, which is neutral and non-polar, with glutamic acid, which is acidic and polar, at codon 580 of the WFS1 protein (p.Val580Glu). This variant is present in population databases (rs140773453, gnomAD 0.007%). This variant has not been reported in the literature in individuals affected with WFS1-related conditions. ClinVar contains an entry for this variant (Variation ID: 904987). Invitae Evidence Modeling of protein sequence and biophysical properties (such as structural, functional, and spatial information, amino acid conservation, physicochemical variation, residue mobility, and thermodynamic stability) indicates that this missense variant is not expected to disrupt WFS1 protein function with a negative predictive value of 80%. In summary, the available evidence is currently insufficient to determine the role of this variant in disease. Therefore, it has been classified as a Variant of Uncertain Significance.

CeGaT Center for Human Genetics Tuebingen
Classification: Uncertain significance. Last evaluated: 2024-10-01. Review status: criteria provided, single submitter. Criteria: CeGaT Center For Human Genetics Tuebingen Variant Classification Criteria Version 2. Collection method: clinical testing. Allele origin: germline. Affected: yes. Observed: 1 variant allele.
Comment: WFS1: PM2, BP4

ARUP Laboratories, Molecular Genetics and Genomics, ARUP Laboratories
Classification: Uncertain significance. Last evaluated: 2024-07-03. Review status: criteria provided, single submitter. Criteria: ARUP Molecular Germline Variant Investigation Process 2024. Collection method: clinical testing. Allele origin: germline.
Comment: The WFS1 c.1739T>A; p.Val580Glu variant (rs140773453), to our knowledge, is not reported in the medical literature but is reported in ClinVar (Variation ID: 904987). This variant is found in the non-Finnish European population with an allele frequency of 0.008% (10/129,106 alleles) in the Genome Aggregation Database (v2.1.1). Computational analyses are uncertain whether this variant is neutral or deleterious (REVEL: 0.518). Due to limited information, the clinical significance of this variant is uncertain at this time.

Fulgent Genetics
Classification: Uncertain significance for Cataract 41; Type 2 diabetes mellitus; Wolfram syndrome 1; Autosomal dominant nonsyndromic hearing loss 6; Wolfram-like syndrome. Last evaluated: 2024-05-24. Review status: criteria provided, single submitter. Criteria: ACMG Guidelines, 2015. Collection method: clinical testing. Allele origin: germline.

Ambry Genetics
Classification: Uncertain significance for Inborn genetic diseases. Last evaluated: 2023-03-27. Review status: criteria provided, single submitter. Criteria: Ambry Variant Classification Scheme 2023. Collection method: clinical testing. Allele origin: germline.

Blueprint Genetics
Classification: Uncertain significance. Last evaluated: 2021-12-22. Review status: criteria provided, single submitter. Criteria: ACMG Guidelines, 2015. Collection method: clinical testing. Allele origin: germline.

Illumina Laboratory Services, Illumina
Classification: Uncertain significance for Autosomal dominant nonsyndromic hearing loss 6. Last evaluated: 2018-01-13. Review status: criteria provided, single submitter. Criteria: ICSL Variant Classification Criteria 13 December 2019. Collection method: clinical testing. Allele origin: germline.

Illumina Laboratory Services, Illumina
Classification: Uncertain significance for WFS1-Related Spectrum Disorders. Last evaluated: 2018-01-13. Review status: criteria provided, single submitter. Criteria: ICSL Variant Classification Criteria 13 December 2019. Collection method: clinical testing. Allele origin: germline.

Clinical Genomics, Uppaluri K&H Personalized Medicine Clinic
Classification: Uncertain risk allele for Wolfram syndrome 1. Review status: criteria provided, single submitter. Criteria: K & H Uppaluri Personalized Medicine Clinic Variant Classification & Assertion Criteria_Updated V.1. Collection method: research. Allele origin: unknown. Inheritance: Autosomal recessive inheritance.
Comment: Potent mutations in WFS1 gene are associated with Wolfram's syndrome, an autosomal recessive condition, which cause diabetes mellitus, diabetes insipidus, deafness and optic atrophy.However no sufficient evidence is found to ascertain the role of this particular variant rs140773453 in Wolfram's syndrome yet.

Literature cited by the submitters: PubMed 20738327 (cited by Clinical Genomics, Uppaluri K&H Personalized Medicine Clinic); PubMed 17603484 (cited by Clinical Genomics, Uppaluri K&H Personalized Medicine Clinic); PubMed 20301750 (cited by Clinical Genomics, Uppaluri K&H Personalized Medicine Clinic); PubMed 18060660 (cited by Clinical Genomics, Uppaluri K&H Personalized Medicine Clinic); PubMed 12955714 (cited by Clinical Genomics, Uppaluri K&H Personalized Medicine Clinic); PubMed 33879153 (cited by Clinical Genomics, Uppaluri K&H Personalized Medicine Clinic).